The following is an entry in ClinVar:

ClinVar aggregate classification (germline): Benign/Likely benign. Review status: criteria provided, multiple submitters, no conflicts (2 of 4 stars). 2 submissions from 2 submitters: Benign (1); Likely benign (1). Last evaluated 2018-09-29.

Conditions:
Stuve-Wiedemann syndrome (STWS). Also called: Stüve-Wiedemann syndrome. Identifiers: Orphanet 3206, MedGen C0796176, MONDO:0031280.

Allele frequency attached by ClinVar (database versions not stated): gnomAD 0.00855 and 0.01170; TOPMed 0.01249; gnomAD exomes 0.02204; 1000 Genomes Project 30x 0.04825; 1000 Genomes Project 0.05331.
gnomAD v4.1: 7,046 of 398,230 alleles (1.8%); highest among the groups gnomAD compares: East Asian, 25%; 774 homozygotes.

Submissions (2):

GeneDx
Classification: Likely benign. Last evaluated: 2018-09-29. Review status: criteria provided, single submitter. Criteria: GeneDx Variant Classification Process June 2021. Collection method: clinical testing. Allele origin: germline. Affected: yes.

Illumina Laboratory Services, Illumina
Classification: Benign for Stüve-Wiedemann syndrome 1. Last evaluated: 2018-01-13. Review status: criteria provided, single submitter. Criteria: ICSL Variant Classification Criteria 13 December 2019. Collection method: clinical testing. Allele origin: germline.
Comment: This variant was observed in the ICSL laboratory as part of a predisposition screen in an ostensibly healthy population. It had not been previously curated by ICSL or reported in the Human Gene Mutation Database (HGMD: prior to June 1st, 2018), and was therefore a candidate for classification through an automated scoring system. Utilizing variant allele frequency, disease prevalence and penetrance estimates, and inheritance mode, an automated score was calculated to assess if this variant is too frequent to cause the disease. Based on the score and internal cut-off values, a variant classified as benign is not then subjected to further curation. The score for this variant resulted in a classification of benign for this disease.

NM_001127671.2(LIFR):c.*324G>A

Gene: LIFR (LIF receptor subunit alpha; minus strand). Cytogenetic location: 5p13.1.
Variant type: single nucleotide variant.
Coding change: c.*324G>A on transcript NM_001127671.2 (MANE Select); 324 bases downstream of the stop codon, G replaced by A.
Molecular consequence: 3 prime UTR variant.
Genome position (GRCh38, 1-based): chr5:38,481,271, C>T on the plus strand (G>A on the coding strand, the complement: LIFR is on the minus strand). VCF-style: chr5-38481271-C-T. GRCh37 (hg19) VCF-style: chr5-38481373-C-T.
Other names: c.*324G>A (NM_001364297.2, NM_001364298.2, NM_002310.6).
Identifiers: ClinVar variation 353603 (VCV000353603.7), dbSNP rs3797156, ClinGen allele CA10621867.